The following is an entry in ClinVar:

NM_001370259.2(MEN1):c.950A>G (p.His317Arg)

Gene: MEN1 (menin 1; minus strand). Cytogenetic location: 11q13.1.
Variant type: single nucleotide variant.
Coding change: c.950A>G on transcript NM_001370259.2 (MANE Select); coding-DNA position 950, A replaced by G.
Protein change: p.His317Arg; replaces histidine 317 with arginine.
Molecular consequence: missense variant.
Genome position (GRCh38, 1-based): chr11:64,806,331, T>C on the plus strand (A>G on the coding strand, the complement: MEN1 is on the minus strand). VCF-style: chr11-64806331-T-C. GRCh37 (hg19) VCF-style: chr11-64573803-T-C.
Other names: c.965A>G, p.His322Arg (NM_000244.4, NM_130800.3, NM_130801.3 and 3 more transcripts); c.950A>G, p.His317Arg (NM_001370251.2, NM_001370260.2, NM_001370261.2 and 1 more transcripts); c.845A>G, p.His282Arg (NM_001370262.2, NM_001370263.2); short protein forms H317R, H322R, H282R.
Identifiers: ClinVar variation 428033 (VCV000428033.8), dbSNP rs1114167495, ClinGen allele CA381183385.

ClinVar aggregate classification (germline): Likely pathogenic (1 of 4 stars; one submission).

Conditions:
Hereditary cancer-predisposing syndrome. Also called: Hereditary Cancer Syndrome; Neoplastic Syndromes, Hereditary; Hereditary neoplastic syndrome; Tumor predisposition. Identifiers: Orphanet 140162, MedGen C0027672, MeSH D009386, MONDO:0015356.

Submission:

Ambry Genetics
Classification: Likely pathogenic for Hereditary cancer-predisposing syndrome. Last evaluated: 2024-09-09. Review status: criteria provided, single submitter. Criteria: Ambry Variant Classification Scheme 2023. Collection method: clinical testing. Allele origin: germline.
Comment: The p.H317R variant (also known as c.950A>G), located in coding exon 6 of the MEN1 gene, results from an A to G substitution at nucleotide position 950. The histidine at codon 317 is replaced by arginine, an amino acid with highly similar properties. This alteration was observed in a proband suspected of having MEN1 with a history of hyperparathyroidism and a carcinoid tumor (Roijers, JF et al. Eur J Clin Invest. 2000 Jun;30(6):487-92). This mutation was also identified in a MEN1 family with at least two affected individuals with a history of primary hyperparathyroidism and/or carcinoid tumors (Wautot, V et al. Hum Mutat. 2002 Jul;20(1):35-47). Of note, this alteration is also designated as c.1060A>G in published literature. This amino acid position is well conserved in available vertebrate species. In addition, this alteration is predicted to be deleterious by in silico analysis. Based on the majority of available evidence to date, this variant is likely to be pathogenic.